The following is an entry in ClinVar:

NM_001346.3(DGKG):c.1512T>C (p.Asp504=)

Gene: DGKG (diacylglycerol kinase gamma; minus strand). Cytogenetic location: 3q27.2.
Variant type: single nucleotide variant.
Coding change: c.1512T>C on transcript NM_001346.3 (MANE Select); coding-DNA position 1512, T replaced by C.
Protein change: p.Asp504=; no amino-acid change (aspartic acid 504 retained).
Molecular consequence: synonymous variant.
Genome position (GRCh38, 1-based): chr3:186,253,181, A>G on the plus strand (T>C on the coding strand, the complement: DGKG is on the minus strand). VCF-style: chr3-186253181-A-G. GRCh37 (hg19) VCF-style: chr3-185970970-A-G.
Other names: c.1437T>C, p.Asp479= (NM_001080744.2); c.1395T>C, p.Asp465= (NM_001080745.2).
Identifiers: ClinVar variation 2654332 (VCV002654332.24), dbSNP rs61752078, ClinGen allele CA2743106.

ClinVar aggregate classification (germline): Likely benign (1 of 4 stars; one submission).

Allele frequency attached by ClinVar (database versions not stated): 1000 Genomes Project 30x 0.00031; 1000 Genomes Project 0.00040; gnomAD 0.00208; TOPMed 0.00210; ExAC 0.00224; ESP Exome Variant Server 0.00277.
gnomAD v4.1: 5,264 of 1,613,704 alleles (0.33%); highest among the groups gnomAD compares: Non-Finnish European, 0.4%; 9 homozygotes.

Submission:

CeGaT Center for Human Genetics Tuebingen
Classification: Likely benign. Last evaluated: 2022-08-01. Review status: criteria provided, single submitter. Criteria: CeGaT Center For Human Genetics Tuebingen Variant Classification Criteria Version 2. Collection method: clinical testing. Allele origin: germline. Affected: yes. Observed: 1 variant allele.
Comment: DGKG: BP4, BP7